The following is an entry in ClinVar:

NM_015047.3(EMC1):c.1258C>T (p.Arg420Trp)

Genes: EMC1 (ER membrane protein complex subunit 1; minus strand), EMC1-AS1 (EMC1 antisense RNA 1; plus strand). Cytogenetic location: 1p36.13.
Variant type: single nucleotide variant.
Coding change: c.1258C>T on transcript NM_015047.3 (MANE Select); coding-DNA position 1258, C replaced by T.
Protein change: p.Arg420Trp; replaces arginine 420 with tryptophan.
Molecular consequence: missense variant.
Genome position (GRCh38, 1-based): chr1:19,237,193, G>A on the plus strand (C>T on the coding strand, the complement: EMC1 is on the minus strand). VCF-style: chr1-19237193-G-A. GRCh37 (hg19) VCF-style: chr1-19563687-G-A.
Other names: c.1258C>T (NM_015047.1); c.1255C>T, p.Arg419Trp (NM_001271427.2, NM_001375821.1); c.1258C>T, p.Arg420Trp (NM_001271428.2, NM_001375820.1); c.1192C>T, p.Arg398Trp (NM_001271429.2); short protein forms R419W, R420W, R398W.
Identifiers: ClinVar variation 1499887 (VCV001499887.10), dbSNP rs147189826, ClinGen allele CA652617.

ClinVar aggregate classification (germline): Uncertain significance. Review status: criteria provided, multiple submitters, no conflicts (2 of 4 stars). 2 submissions from 2 submitters: Uncertain significance (2). Last evaluated 2025-08-04.

Conditions:
Inborn genetic diseases. Identifiers: MedGen C0950123, MeSH D030342.

Allele frequency attached by ClinVar (database versions not stated): gnomAD 0.00002; gnomAD exomes 0.00002 and 0.00003; TOPMed 0.00002; ExAC 0.00003; ESP Exome Variant Server 0.00008.
gnomAD v4.1: 39 of 1,613,874 alleles (0.0024%); highest among the groups gnomAD compares: Admixed American, 0.0083%; no homozygotes.

Submissions (2):

Labcorp Genetics (formerly Invitae), Labcorp
Classification: Uncertain significance. Last evaluated: 2025-08-04. Review status: criteria provided, single submitter. Criteria: Invitae Variant Classification Sherloc (09022015). Collection method: clinical testing. Allele origin: germline.
Comment: This sequence change replaces arginine, which is basic and polar, with tryptophan, which is neutral and slightly polar, at codon 420 of the EMC1 protein (p.Arg420Trp). This variant is present in population databases (rs147189826, gnomAD 0.004%). This variant has not been reported in the literature in individuals affected with EMC1-related conditions. ClinVar contains an entry for this variant (Variation ID: 1499887). Invitae Evidence Modeling of protein sequence and biophysical properties (such as structural, functional, and spatial information, amino acid conservation, physicochemical variation, residue mobility, and thermodynamic stability) indicates that this missense variant is expected to disrupt EMC1 protein function with a positive predictive value of 80%. In summary, the available evidence is currently insufficient to determine the role of this variant in disease. Therefore, it has been classified as a Variant of Uncertain Significance.

Ambry Genetics
Classification: Uncertain significance for Inborn genetic diseases. Last evaluated: 2023-07-14. Review status: criteria provided, single submitter. Criteria: Ambry Variant Classification Scheme 2023. Collection method: clinical testing. Allele origin: germline.